The following is an entry in ClinVar:

ClinVar aggregate classification (germline): Uncertain significance. Review status: criteria provided, multiple submitters, no conflicts (2 of 4 stars). 2 submissions from 2 submitters: Uncertain significance (2). Last evaluated 2024-12-07.

Conditions:
Inborn genetic diseases. Identifiers: MedGen C0950123, MeSH D030342.

Allele frequency attached by ClinVar (database versions not stated): gnomAD exomes below 0.00001 and 0.00002; TOPMed below 0.00001; ExAC 0.00001; gnomAD 0.00001.
gnomAD v4.1: 36 of 1,613,620 alleles (0.0022%); highest among the groups gnomAD compares: Non-Finnish European, 0.0031%; no homozygotes.

Submissions (2):

Ambry Genetics
Classification: Uncertain significance for Inborn genetic diseases. Last evaluated: 2024-12-07. Review status: criteria provided, single submitter. Criteria: Ambry Variant Classification Scheme 2023. Collection method: clinical testing. Allele origin: germline.

Labcorp Genetics (formerly Invitae), Labcorp
Classification: Uncertain significance. Last evaluated: 2021-08-24. Review status: criteria provided, single submitter. Criteria: Invitae Variant Classification Sherloc (09022015). Collection method: clinical testing. Allele origin: germline.
Comment: This sequence change replaces tyrosine with cysteine at codon 233 of the TTC37 protein (p.Tyr233Cys). The tyrosine residue is moderately conserved and there is a large physicochemical difference between tyrosine and cysteine. This variant is present in population databases (rs750200999, ExAC 0.001%). This variant has not been reported in the literature in individuals affected with TTC37-related conditions. Algorithms developed to predict the effect of missense changes on protein structure and function are either unavailable or do not agree on the potential impact of this missense change (SIFT: "Deleterious"; PolyPhen-2: "Probably Damaging"; Align-GVGD: "Class C0"). In summary, the available evidence is currently insufficient to determine the role of this variant in disease. Therefore, it has been classified as a Variant of Uncertain Significance.

NM_014639.4(SKIC3):c.698A>G (p.Tyr233Cys)

Gene: SKIC3 (SKI3 subunit of superkiller complex; minus strand). Cytogenetic location: 5q15.
Variant type: single nucleotide variant.
Coding change: c.698A>G on transcript NM_014639.4 (MANE Select); coding-DNA position 698, A replaced by G.
Protein change: p.Tyr233Cys; replaces tyrosine 233 with cysteine.
Molecular consequence: missense variant.
Genome position (GRCh38, 1-based): chr5:95,536,870, T>C on the plus strand (A>G on the coding strand, the complement: SKIC3 is on the minus strand). VCF-style: chr5-95536870-T-C. GRCh37 (hg19) VCF-style: chr5-94872574-T-C.
Other names: c.698A>G (NM_014639.3); short protein forms Y233C.
Identifiers: ClinVar variation 1467258 (VCV001467258.6), dbSNP rs750200999, ClinGen allele CA3347550.